The following is an entry in ClinVar:

NM_000492.4(CFTR):c.1066_1072delinsA (p.Trp356_Val358delinsIle)

Gene: CFTR (CF transmembrane conductance regulator; plus strand). Cytogenetic location: 7q31.2.
Variant type: Indel.
Coding change: c.1066_1072delinsA on transcript NM_000492.4 (MANE Select); coding-DNA positions 1066 to 1072, TGGGCTG replaced by A.
Protein change: p.Trp356_Val358delinsIle.
Molecular consequence: inframe indel.
Genome position (GRCh38, 1-based): chr7:117,540,296-117,540,302, TGGGCTG replaced by A. VCF-style: chr7-117540296-TGGGCTG-A. GRCh37 (hg19) VCF-style: chr7-117180350-TGGGCTG-A.
Identifiers: ClinVar variation 198737 (VCV000198737.7), dbSNP rs797044788, ClinGen allele CA247542.

ClinVar aggregate classification (germline): Uncertain significance. Review status: criteria provided, multiple submitters, no conflicts (2 of 4 stars). 2 submissions from 2 submitters: Uncertain significance (2). Last evaluated 2026-04-09.

Submissions (2):

Women's Health and Genetics/Laboratory Corporation of America, LabCorp
Classification: Uncertain significance. Last evaluated: 2026-04-09. Review status: criteria provided, single submitter. Criteria: LabCorp Variant Classification Summary - May 2015. Collection method: clinical testing. Allele origin: germline.
Comment: Variant summary: CFTR c.1066_1072delinsA (p.Trp356_Val358delinsIle) results in an in-frame deletion-insertion that is predicted to delete three amino acids and insert one amino acid from the protein. The variant was absent in 1461696 control chromosomes. The available data on variant occurrences in the general population are insufficient to allow any conclusion about variant significance. c.1066_1072delinsA has been observed in individual(s) affected with Cystic Fibrosis without strong evidence for causality (Martnez-Hernandez_2024). These report(s) do not provide unequivocal conclusions about association of the variant with Cystic Fibrosis. To our knowledge, no experimental evidence demonstrating an impact on protein function has been reported. The following publication has been ascertained in the context of this evaluation (PMID: 38601560). ClinVar contains an entry for this variant (Variation ID: 198737). Based on the evidence outlined above, the variant was classified as uncertain significance.

Eurofins Ntd Llc (ga)
Classification: Uncertain significance. Last evaluated: 2015-05-29. Review status: criteria provided, single submitter. Criteria: EGL Classification Definitions 2015. Collection method: clinical testing. Allele origin: germline. Observed: 1 variant allele, 1 heterozygote.

Literature cited by the submitters: PubMed 38601560 (cited by Women's Health and Genetics/Laboratory Corporation of America, LabCorp).